The following is an entry in ClinVar:

ClinVar aggregate classification (germline): Pathogenic (1 of 4 stars; one submission).

Conditions:
Developmental and epileptic encephalopathy 94 (DEE94). Also called: CHD2-Related Neurodevelopmental Disorders; Epileptic encephalopathy, childhood-onset. Identifiers: Orphanet 1942, Orphanet 2382, MedGen C3809278, MONDO:0014150, OMIM 615369.

Submission:

Labcorp Genetics (formerly Invitae), Labcorp
Classification: Pathogenic for Developmental and epileptic encephalopathy 94. Last evaluated: 2019-07-09. Review status: criteria provided, single submitter. Criteria: Invitae Variant Classification Sherloc (09022015). Collection method: clinical testing. Allele origin: germline.
Comment: This variant has not been reported in the literature in individuals with CHD2-related conditions. This sequence change creates a premature translational stop signal (p.Arg550Serfs*11) in the CHD2 gene. It is expected to result in an absent or disrupted protein product. This variant is not present in population databases (ExAC no frequency). Loss-of-function variants in CHD2 are known to be pathogenic (PMID: 23708187, 24207121). For these reasons, this variant has been classified as Pathogenic.

Literature cited by the submitters: PubMed 23708187; PubMed 24207121.

NM_001271.4(CHD2):c.1650_1653del (p.Arg550fs)

Gene: CHD2 (chromodomain helicase DNA binding protein 2; plus strand). Cytogenetic location: 15q26.1.
Variant type: Microsatellite.
Coding change: c.1650_1653del on transcript NM_001271.4 (MANE Select); coding-DNA positions 1650 to 1653, 4 bases deleted (AGAG; older notation c.1650_1653delAGAG).
Protein change: p.Arg550fs; shifts the reading frame from arginine 550.
Molecular consequence: frameshift variant.
Genome position (GRCh38, 1-based): chr15:92,953,504-92,953,507, AGAG deleted; deleting any 4 consecutive bases within chr15:92,953,500-92,953,507 gives the same sequence; the c. name uses the placement nearest the transcript's 3' end. VCF-style (leftmost placement, unchanged base first): chr15-92953499-CAGAG-C. GRCh37 (hg19) VCF-style: chr15-93496729-CAGAG-C.
Other names: short protein forms R550fs.
Identifiers: ClinVar variation 952924 (VCV000952924.8), dbSNP rs886041628, ClinGen allele CA2196362010.